The following is an entry in ClinVar:

NM_004655.4(AXIN2):c.1305G>C (p.Pro435=)

Gene: AXIN2 (axin 2; minus strand). Cytogenetic location: 17q24.1.
Variant type: single nucleotide variant.
Coding change: c.1305G>C on transcript NM_004655.4 (MANE Select); coding-DNA position 1305, G replaced by C.
Protein change: p.Pro435=; no amino-acid change (proline 435 retained).
Molecular consequence: synonymous variant.
Genome position (GRCh38, 1-based): chr17:65,537,731, C>G on the plus strand (G>C on the coding strand, the complement: AXIN2 is on the minus strand). VCF-style: chr17-65537731-C-G. GRCh37 (hg19) VCF-style: chr17-63533849-C-G.
Other names: c.1305G>C, p.Pro435= (NM_001363813.1).
Identifiers: ClinVar variation 3379186 (VCV003379186.2).

ClinVar aggregate classification (germline): Benign/Likely benign. Review status: criteria provided, multiple submitters, no conflicts (2 of 4 stars). 2 submissions from 2 submitters: Benign (1); Likely benign (1). Last evaluated 2026-07-13.

Conditions:
Oligodontia-cancer predisposition syndrome. Also called: TOOTH AGENESIS-COLORECTAL CANCER SYNDROME. Identifiers: Orphanet 300576, MedGen C1837750, MONDO:0012075, OMIM 608615. Disease mechanism: loss of function.
Hereditary cancer-predisposing syndrome. Also called: Tumor predisposition; Hereditary Cancer Syndrome; Hereditary neoplastic syndrome; Neoplastic Syndromes, Hereditary. Identifiers: Orphanet 140162, MedGen C0027672, MeSH D009386, MONDO:0015356.

Submissions (2):

Ambry Genetics
Classification: Likely benign for Hereditary cancer-predisposing syndrome. Last evaluated: 2026-07-13. Review status: criteria provided, single submitter. Criteria: Ambry Variant Classification Scheme 2023. Collection method: clinical testing. Allele origin: germline.

Myriad Genetics, Inc.
Classification: Benign for Oligodontia-cancer predisposition syndrome. Last evaluated: 2024-07-02. Review status: criteria provided, single submitter. Criteria: Myriad Autosomal Dominant, Autosomal Recessive and X-Linked Classification Criteria (2023). Collection method: clinical testing. Allele origin: unknown.
Comment: This variant is considered benign. This variant is a silent/synonymous amino acid change and it is not expected to impact splicing.